The following is an entry in ClinVar:

ClinVar aggregate classification (germline): Likely benign. Review status: criteria provided, multiple submitters, no conflicts (2 of 4 stars). 2 submissions from 2 submitters: Likely benign (2). Last evaluated 2024-08-27.

Allele frequency attached by ClinVar (database versions not stated): ExAC 0.00002; gnomAD 0.00002; TOPMed 0.00002; gnomAD exomes 0.00003 and 0.00005.
gnomAD v4.1: 78 of 1,614,132 alleles (0.0048%); highest among the groups gnomAD compares: Admixed American, 0.0067%; no homozygotes.

Submissions (2):

Labcorp Genetics (formerly Invitae), Labcorp
Classification: Likely benign. Last evaluated: 2024-08-27. Review status: criteria provided, single submitter. Criteria: Invitae Variant Classification Sherloc (09022015). Collection method: clinical testing. Allele origin: germline.

GeneDx
Classification: Likely benign. Last evaluated: 2018-04-03. Review status: criteria provided, single submitter. Criteria: GeneDx Variant Classification (06012015). Collection method: clinical testing. Allele origin: germline. Affected: yes.
Comment: This variant is considered likely benign or benign based on one or more of the following criteria: it is a conservative change, it occurs at a poorly conserved position in the protein, it is predicted to be benign by multiple in silico algorithms, and/or has population frequency not consistent with disease.

NM_017837.4(PIGV):c.450T>C (p.Tyr150=)

Gene: PIGV (phosphatidylinositol glycan anchor biosynthesis class V; plus strand). Cytogenetic location: 1p36.11.
Variant type: single nucleotide variant.
Coding change: c.450T>C on transcript NM_017837.4 (MANE Select); coding-DNA position 450, T replaced by C.
Protein change: p.Tyr150=; no amino-acid change (tyrosine 150 retained).
Molecular consequence: synonymous variant. On other transcripts: non-coding transcript variant (1), intron variant (3).
Genome position (GRCh38, 1-based): chr1:26,794,484, T>C. VCF-style: chr1-26794484-T-C. GRCh37 (hg19) VCF-style: chr1-27120975-T-C.
Other names: c.450T>C, p.Tyr150= (NM_001202554.2, NM_001374478.1, NM_001374480.1 and 2 more transcripts); c.69T>C, p.Tyr23= (NM_001374483.1); c.172+278T>C (NM_001374484.1, NM_001374485.1); c.79-3079T>C (NM_001374486.1).
Identifiers: ClinVar variation 681123 (VCV000681123.8), dbSNP rs765065261, ClinGen allele CA708059.